The following is an entry in ClinVar:

ClinVar aggregate classification (germline): Uncertain significance (1 of 4 stars; one submission).

Allele frequency attached by ClinVar (database versions not stated): gnomAD exomes below 0.00001; TOPMed below 0.00001.

Submission:

Labcorp Genetics (formerly Invitae), Labcorp
Classification: Uncertain significance. Last evaluated: 2024-10-15. Review status: criteria provided, single submitter. Criteria: Invitae Variant Classification Sherloc (09022015). Collection method: clinical testing. Allele origin: germline.
Comment: This sequence change replaces proline, which is neutral and non-polar, with alanine, which is neutral and non-polar, at codon 213 of the ROM1 protein (p.Pro213Ala). This variant is not present in population databases (gnomAD no frequency). This variant has not been reported in the literature in individuals affected with ROM1-related conditions. ClinVar contains an entry for this variant (Variation ID: 2013074). Invitae Evidence Modeling of protein sequence and biophysical properties (such as structural, functional, and spatial information, amino acid conservation, physicochemical variation, residue mobility, and thermodynamic stability) has been performed for this missense variant. However, the output from this modeling did not meet the statistical confidence thresholds required to predict the impact of this variant on ROM1 protein function. In summary, the available evidence is currently insufficient to determine the role of this variant in disease. Therefore, it has been classified as a Variant of Uncertain Significance.

NM_000327.4(ROM1):c.637C>G (p.Pro213Ala)

Gene: ROM1 (retinal outer segment membrane protein 1; plus strand). Cytogenetic location: 11q12.3.
Variant type: single nucleotide variant.
Coding change: c.637C>G on transcript NM_000327.4 (MANE Select); coding-DNA position 637, C replaced by G.
Protein change: p.Pro213Ala; replaces proline 213 with alanine.
Molecular consequence: missense variant.
Genome position (GRCh38, 1-based): chr11:62,614,304, C>G. VCF-style: chr11-62614304-C-G. GRCh37 (hg19) VCF-style: chr11-62381776-C-G.
Other names: short protein forms P213A.
Identifiers: ClinVar variation 2013074 (VCV002013074.4), dbSNP rs1942974342, ClinGen allele CA380971561.
Genomic context (GRCh38, chr11:62,614,304, plus strand): 5'-CCCTCCCTTTGCAGCCGGATCCAGAGCAATGTAGAAGGCCTATACCTGACTGATGGGGTC[C>G]CTTTCTCCTGTTGCAACCCCCACTCACCCCGGCCTTGCCTGCAAAACCGTCTTTCAGACT-3'
Protein context (NP_000318.2, residues 203-223): VEGLYLTDGV[Pro213Ala]FSCCNPHSPR